The following is an entry in ClinVar:

NM_003072.5(SMARCA4):c.4717G>A (p.Glu1573Lys)

Gene: SMARCA4 (SWI/SNF related BAF chromatin remodeling complex subunit ATPase 4; plus strand). Cytogenetic location: 19p13.2.
Variant type: single nucleotide variant.
Coding change: c.4717G>A on transcript NM_003072.5 (MANE Select); coding-DNA position 4717, G replaced by A.
Protein change: p.Glu1573Lys; replaces glutamic acid 1573 with lysine.
Molecular consequence: missense variant. On other transcripts: non-coding transcript variant (1).
Genome position (GRCh38, 1-based): chr19:11,059,834, G>A. VCF-style: chr19-11059834-G-A. GRCh37 (hg19) VCF-style: chr19-11170510-G-A.
Other names: c.4717G>A, p.Glu1573Lys (NM_001128844.3); c.4618G>A, p.Glu1540Lys (NM_001128847.4, NM_001374457.1); c.4615G>A, p.Glu1539Lys (NM_001128848.2); c.4813G>A, p.Glu1605Lys (NM_001128849.3, NM_001387283.1); c.4624G>A, p.Glu1542Lys (NM_001128846.2); c.4627G>A, p.Glu1543Lys (NM_001128845.2); short protein forms E1605K, E1539K, E1542K, E1573K, E1540K, E1543K.
Identifiers: ClinVar variation 569577 (VCV000569577.12), dbSNP rs775433905, ClinGen allele CA9204831.

ClinVar aggregate classification (germline): Uncertain significance. Review status: criteria provided, multiple submitters, no conflicts (2 of 4 stars). 2 submissions from 2 submitters: Uncertain significance (2). Last evaluated 2025-06-18.

Conditions:
Hereditary cancer-predisposing syndrome. Also called: Hereditary neoplastic syndrome; Tumor predisposition; Neoplastic Syndromes, Hereditary; Hereditary Cancer Syndrome. Identifiers: Orphanet 140162, MedGen C0027672, MeSH D009386, MONDO:0015356.
Rhabdoid tumor predisposition syndrome 2 (RTPS2). Identifiers: Orphanet 231108, Orphanet 69077, MedGen C2750074, MONDO:0013224, OMIM 613325.

Allele frequency attached by ClinVar (database versions not stated): TOPMed below 0.00001; ExAC 0.00001; gnomAD 0.00001; gnomAD exomes 0.00001.
gnomAD v4.1: 5 of 1,613,674 alleles (0.00031%); highest among the groups gnomAD compares: Admixed American, 0.0017%; no homozygotes.

Submissions (2):

Ambry Genetics
Classification: Uncertain significance for Hereditary cancer-predisposing syndrome. Last evaluated: 2025-06-18. Review status: criteria provided, single submitter. Criteria: Ambry Variant Classification Scheme 2023. Collection method: clinical testing. Allele origin: germline.
Comment: The p.E1605K variant (also known as c.4813G>A), located in coding exon 33 of the SMARCA4 gene, results from a G to A substitution at nucleotide position 4813. The glutamic acid at codon 1605 is replaced by lysine, an amino acid with similar properties. This amino acid position is highly conserved in available vertebrate species. In addition, the in silico prediction for this alteration is inconclusive. Based on the available evidence, the clinical significance of this variant remains unclear.

Labcorp Genetics (formerly Invitae), Labcorp
Classification: Uncertain significance for Rhabdoid tumor predisposition syndrome 2. Last evaluated: 2024-06-17. Review status: criteria provided, single submitter. Criteria: Invitae Variant Classification Sherloc (09022015). Collection method: clinical testing. Allele origin: germline.
Comment: This sequence change replaces glutamic acid, which is acidic and polar, with lysine, which is basic and polar, at codon 1605 of the SMARCA4 protein (p.Glu1605Lys). This variant is present in population databases (rs775433905, gnomAD 0.004%). This variant has not been reported in the literature in individuals affected with SMARCA4-related conditions. ClinVar contains an entry for this variant (Variation ID: 569577). Advanced modeling of protein sequence and biophysical properties (such as structural, functional, and spatial information, amino acid conservation, physicochemical variation, residue mobility, and thermodynamic stability) performed at Invitae indicates that this missense variant is not expected to disrupt SMARCA4 protein function with a negative predictive value of 95%. In summary, the available evidence is currently insufficient to determine the role of this variant in disease. Therefore, it has been classified as a Variant of Uncertain Significance.